The following is an entry in ClinVar:

ClinVar aggregate classification (germline): Pathogenic. Review status: criteria provided, single submitter (1 of 4 stars). 2 submissions from 2 submitters: Pathogenic (1). 1 of the submissions does not count toward it. Last evaluated 2022-05-21.

Conditions:
Loeys-Dietz syndrome 6. Identifiers: MedGen C5562041, MONDO:0030500, OMIM 619656.

Submissions (2):

Labcorp Genetics (formerly Invitae), Labcorp
Classification: Pathogenic. Last evaluated: 2022-05-21. Review status: criteria provided, single submitter. Criteria: Invitae Variant Classification Sherloc (09022015). Collection method: clinical testing. Allele origin: germline.
Comment: This sequence change replaces glycine, which is neutral and non-polar, with arginine, which is basic and polar, at codon 457 of the SMAD2 protein (p.Gly457Arg). For these reasons, this variant has been classified as Pathogenic. Advanced modeling of protein sequence and biophysical properties (such as structural, functional, and spatial information, amino acid conservation, physicochemical variation, residue mobility, and thermodynamic stability) performed at Invitae indicates that this missense variant is expected to disrupt SMAD2 protein function. ClinVar contains an entry for this variant (Variation ID: 1327531). This missense change has been observed in individual(s) with SMAD2-related conditions (PMID: 26247899). In at least one individual the variant was observed to be de novo. This variant is not present in population databases (gnomAD no frequency).

OMIM
Classification: Pathogenic for LOEYS-DIETZ SYNDROME 6. Last evaluated: 2021-12-10. Review status: no assertion criteria provided. Collection method: literature only. Allele origin: germline. Not counted in ClinVar's aggregate classification.

Literature cited by the submitters: PubMed 26247899 (cited by Labcorp Genetics (formerly Invitae), Labcorp and OMIM).

NM_005901.6(SMAD2):c.1369G>A (p.Gly457Arg)

Gene: SMAD2 (SMAD family member 2; minus strand). Cytogenetic location: 18q21.1.
Variant type: single nucleotide variant.
Coding change: c.1369G>A on transcript NM_005901.6 (MANE Select); coding-DNA position 1369, G replaced by A.
Protein change: p.Gly457Arg; replaces glycine 457 with arginine.
Molecular consequence: missense variant.
Genome position (GRCh38, 1-based): chr18:47,841,862, C>T on the plus strand (G>A on the coding strand, the complement: SMAD2 is on the minus strand). VCF-style: chr18-47841862-C-T. GRCh37 (hg19) VCF-style: chr18-45368233-C-T.
Other names: c.1369G>A, p.Gly457Arg (NM_001003652.4); c.1279G>A, p.Gly427Arg (NM_001135937.3); short protein forms G457R, G427R.
Identifiers: ClinVar variation 1327531 (VCV001327531.6), dbSNP rs2144276285, ClinGen allele CA402502551.
Genomic context (GRCh38, chr18:47,841,862, plus strand): 5'-TTCATGGGACTTGATTGGTGAAGCTTTATGACATGCTTGAGCAACGCACTGAAGGGGATC[C>T]CATCTGAGTTAATACTTTGTCCAACCACTGTAGAGGTCCATTCAGATGAAGTTCAATCCA-3'
Protein context (NP_005892.1, residues 447-467): QWLDKVLTQM[Gly457Arg]SPSVRCSSMS